The following is an entry in ClinVar:

ClinVar aggregate classification (germline): Uncertain significance (1 of 4 stars; one submission).

Conditions:
Ataxia-telangiectasia syndrome (AT). Also called: Ataxia telangiectasia (A-T); ATAXIA-TELANGIECTASIA, COMPLEMENTATION GROUP A; ATAXIA-TELANGIECTASIA, FRESNO VARIANT; Ataxia-telangiectasia; Ataxia-telangiectasia, complementation group E; LOUIS-BAR SYNDROME. Identifiers: Orphanet 100, MedGen C0004135, MONDO:0008840, OMIM 208900.

Submission:

Labcorp Genetics (formerly Invitae), Labcorp
Classification: Uncertain significance for Ataxia-telangiectasia syndrome. Last evaluated: 2020-03-23. Review status: criteria provided, single submitter. Criteria: Invitae Variant Classification Sherloc (09022015). Collection method: clinical testing. Allele origin: germline.
Comment: In summary, the available evidence is currently insufficient to determine the role of this variant in disease. Therefore, it has been classified as a Variant of Uncertain Significance. Algorithms developed to predict the effect of missense changes on protein structure and function are either unavailable or do not agree on the potential impact of this missense change (SIFT: "Tolerated"; PolyPhen-2: "Possibly Damaging"; Align-GVGD: "Class C15"). This variant has not been reported in the literature in individuals with ATM-related conditions. This variant is not present in population databases (ExAC no frequency). This sequence change replaces lysine with asparagine at codon 2440 of the ATM protein (p.Lys2440Asn). The lysine residue is moderately conserved and there is a moderate physicochemical difference between lysine and asparagine.

NM_000051.4(ATM):c.7320G>T (p.Lys2440Asn)

Genes: ATM (ATM serine/threonine kinase; plus strand), C11orf65 (chromosome 11 open reading frame 65; minus strand). Cytogenetic location: 11q22.3.
Variant type: single nucleotide variant.
Coding change: c.7320G>T on transcript NM_000051.4 (MANE Select); coding-DNA position 7320, G replaced by T.
Protein change: p.Lys2440Asn; replaces lysine 2440 with asparagine.
Molecular consequence: missense variant. On other transcripts: intron variant (2).
Genome position (GRCh38, 1-based): chr11:108,330,226, G>T. VCF-style: chr11-108330226-G-T. GRCh37 (hg19) VCF-style: chr11-108200953-G-T.
Other names: c.7320G>T, p.Lys2440Asn (NM_001351834.2); c.641-21155C>A (NM_001330368.2); c.*38+4994C>A (NM_001351110.2); short protein forms K2440N.
Identifiers: ClinVar variation 1007926 (VCV001007926.9), dbSNP rs751537332, ClinGen allele CA382559883.